The following is an entry in ClinVar:

ClinVar aggregate classification (germline): Pathogenic. Review status: criteria provided, multiple submitters, no conflicts (2 of 4 stars). 2 submissions from 2 submitters: Pathogenic (2). Last evaluated 2023-04-20.

Conditions:
Osteogenesis imperfecta type I (OI1). Also called: Lobstein disease; Osteogenesis imperfecta type 1; Lobstein's Disease; OI, TYPE I; OSTEOGENESIS IMPERFECTA TARDA; OSTEOGENESIS IMPERFECTA WITH BLUE SCLERAE. Identifiers: Orphanet 216796, Orphanet 666, MedGen C0023931, MONDO:0008146, OMIM 166200. Disease mechanism: loss of function.

Submissions (2):

Labcorp Genetics (formerly Invitae), Labcorp
Classification: Pathogenic for Osteogenesis imperfecta type I. Last evaluated: 2023-04-20. Review status: criteria provided, single submitter. Criteria: Invitae Variant Classification Sherloc (09022015). Collection method: clinical testing. Allele origin: germline.
Comment: For these reasons, this variant has been classified as Pathogenic. This variant disrupts the triple helix domain of COL1A1. Glycine residues within the Gly-Xaa-Yaa repeats of the triple helix domain are required for the structure and stability of fibrillar collagens (PMID: 7695699, 8218237, 19344236). In COL1A1, variants affecting these glycine residues are significantly enriched in individuals with disease (PMID: 9016532, 17078022) compared to the general population (ExAC). Studies have shown that disruption of this splice site results in skipping of exon 25, but is expected to preserve the integrity of the reading-frame (PMID: 25963598). ClinVar contains an entry for this variant (Variation ID: 1380204). Disruption of this splice site has been observed in individual(s) with autosomal dominant osteogenesis imperfecta (PMID: 25963598). This variant is not present in population databases (gnomAD no frequency). This sequence change affects a donor splice site in intron 25 of the COL1A1 gene. RNA analysis indicates that disruption of this splice site induces altered splicing and likely results in a shortened protein product.

Athena Diagnostics
Classification: Pathogenic. Last evaluated: 2023-03-30. Review status: criteria provided, single submitter. Criteria: Athena Diagnostics Criteria. Collection method: clinical testing. Allele origin: unknown.
Comment: This variant is expected to severely impact normal RNA splicing, and consequently, protein structure and/or function. This variant alters a critical location within the protein, and is expected to severely affect function and cause disease. This variant has been identified in at least one individual with osteogenesis imperfecta. This variant has not been reported in large, multi-ethnic general populations.

Literature cited by the submitters: PubMed 7695699 (cited by Labcorp Genetics (formerly Invitae), Labcorp); PubMed 8218237 (cited by Labcorp Genetics (formerly Invitae), Labcorp); PubMed 19344236 (cited by Labcorp Genetics (formerly Invitae), Labcorp); PubMed 9016532 (cited by Labcorp Genetics (formerly Invitae), Labcorp); PubMed 17078022 (cited by Labcorp Genetics (formerly Invitae), Labcorp); PubMed 25963598 (cited by Labcorp Genetics (formerly Invitae), Labcorp).

NM_000088.4(COL1A1):c.1767+1G>A

Gene: COL1A1 (collagen type I alpha 1 chain; minus strand). Cytogenetic location: 17q21.33.
Variant type: single nucleotide variant.
Coding change: c.1767+1G>A on transcript NM_000088.4 (MANE Select); the canonical splice donor site of the intron after coding-DNA position 1767, G replaced by A.
Molecular consequence: splice donor variant.
Genome position (GRCh38, 1-based): chr17:50,193,942, C>T on the plus strand (G>A on the coding strand, the complement: COL1A1 is on the minus strand). VCF-style: chr17-50193942-C-T. GRCh37 (hg19) VCF-style: chr17-48271303-C-T.
Other names: c.1767+1G>A (NM_000088.3).
Identifiers: ClinVar variation 1380204 (VCV001380204.7), dbSNP rs2144569036, ClinGen allele CA400215116.